The following is an entry in ClinVar:

NM_152618.3(BBS12):c.704G>A (p.Arg235Lys)

Gene: BBS12 (Bardet-Biedl syndrome 12; plus strand). Cytogenetic location: 4q27.
Variant type: single nucleotide variant.
Coding change: c.704G>A on transcript NM_152618.3 (MANE Select); coding-DNA position 704, G replaced by A.
Protein change: p.Arg235Lys; replaces arginine 235 with lysine.
Molecular consequence: missense variant.
Genome position (GRCh38, 1-based): chr4:122,742,596, G>A. VCF-style: chr4-122742596-G-A. GRCh37 (hg19) VCF-style: chr4-123663751-G-A.
Other names: c.704G>A, p.Arg235Lys (NM_001178007.2); short protein forms R235K.
Identifiers: ClinVar variation 4990842 (VCV004990842.1).
Genomic context (GRCh38, chr4:122,742,596, plus strand): 5'-CTCTGAAAAACAGCCTGCTTGCAGATACCTGCTGCAGACAGTCAATACTAATCCACAGTA[G>A]GCATTTTAATAGGACAGATAATACTGAAGGGGTAAGCAAACCAGATGGATTTCAAGAACA-3'
Protein context (NP_689831.2, residues 225-245): CCRQSILIHS[Arg235Lys]HFNRTDNTEG

ClinVar aggregate classification (germline): Uncertain significance (1 of 4 stars; one submission).

Conditions:
BBS12-related disorder. Also called: BBS12-related condition.

Submission:

PreventionGenetics, part of Exact Sciences
Classification: Uncertain significance for BBS12-related condition. Last evaluated: 2026-02-03. Review status: criteria provided, single submitter. Criteria: ACMG Guidelines, 2015. Collection method: clinical testing. Allele origin: germline.
Comment: The BBS12 c.704G>A variant is predicted to result in the amino acid substitution p.Arg235Lys. To our knowledge, this variant has not been reported in the literature or in a large population database (gnomAD), indicating this variant is rare. At this time, the clinical significance of this variant is uncertain due to the absence of conclusive functional and genetic evidence.